The following is an entry in ClinVar:

NM_012243.3(SLC35A3):c.886A>G (p.Ser296Gly)

Gene: SLC35A3 (solute carrier family 35 member A3; plus strand). Cytogenetic location: 1p21.2.
Variant type: single nucleotide variant.
Coding change: c.886A>G on transcript NM_012243.3 (MANE Select); coding-DNA position 886, A replaced by G.
Protein change: p.Ser296Gly; replaces serine 296 with glycine.
Molecular consequence: missense variant. On other transcripts: intron variant (1).
Genome position (GRCh38, 1-based): chr1:100,017,814, A>G. VCF-style: chr1-100017814-A-G. GRCh37 (hg19) VCF-style: chr1-100483370-A-G.
Other names: c.1012A>G, p.Ser338Gly (NM_001271685.2); c.635-4572A>G (NM_001271684.2); short protein forms S296G, S338G.
Identifiers: ClinVar variation 89030 (VCV000089030.21), dbSNP rs141952252, ClinGen allele CA145448.
Genomic context (GRCh38, chr1:100,017,814, plus strand): 5'-TTATCGATAATATTATCAACATTGATCTCCTATTTTTGGCTTCAAGATTTTGTGCCAACC[A>G]GGTAAAATGTTCTTTTCTATTTTTTTAAATCCCCAGAAGTATATAGAAAAATTAGAATTC-3'
Protein context (NP_036375.1, residues 286-306): YFWLQDFVPT[Ser296Gly]VFFLGAILVI

ClinVar aggregate classification (germline): Pathogenic/Likely pathogenic. Review status: criteria provided, multiple submitters, no conflicts (2 of 4 stars). 7 submissions from 7 submitters: Pathogenic (5); Likely pathogenic (1). 1 of the submissions does not count toward it. Last evaluated 2026-01-13.

Conditions:
Autism spectrum disorder - epilepsy - arthrogryposis syndrome (AMRS). Identifiers: Orphanet 370943, MedGen C3809910, MONDO:0014248, OMIM 615553.

Allele frequency attached by ClinVar (database versions not stated): gnomAD exomes 0.00006 and 0.00002; ExAC 0.00007; gnomAD 0.00006 and 0.00005; ESP Exome Variant Server 0.00008; TOPMed 0.00003.
gnomAD v4.1: 41 of 1,550,916 alleles (0.0026%); highest among the groups gnomAD compares: Non-Finnish European, 0.00052%; no homozygotes.

Submissions (7):

Labcorp Genetics (formerly Invitae), Labcorp
Classification: Pathogenic for Autism spectrum disorder - epilepsy - arthrogryposis syndrome. Last evaluated: 2026-01-13. Review status: criteria provided, single submitter. Criteria: Invitae Variant Classification Sherloc (09022015). Collection method: clinical testing. Allele origin: germline.
Comment: This sequence change replaces serine, which is neutral and polar, with glycine, which is neutral and non-polar, at codon 296 of the SLC35A3 protein (p.Ser296Gly). RNA analysis indicates that this missense change induces altered splicing and likely disrupts the C-terminus of the protein. This variant is present in population databases (rs141952252, gnomAD 0.1%). This missense change has been observed in individual(s) with autism spectrum disorder, epilepsy and arthrogryposis (PMID: 24031089). In at least one individual the data is consistent with being in trans (on the opposite chromosome) from a pathogenic variant. It has also been observed to segregate with disease in related individuals. ClinVar contains an entry for this variant (Variation ID: 89030). An algorithm developed to predict the effect of missense changes on protein structure and function (PolyPhen-2) suggests that this variant is likely to be tolerated. Studies have shown that this missense change results in skipping of exon 7 and introduces a new termination codon (PMID: 24031089). However the mRNA is not expected to undergo nonsense-mediated decay. For these reasons, this variant has been classified as Pathogenic.

Natera, Inc.
Classification: Likely pathogenic for Arthrogryposis, mental retardation, and seizures. Last evaluated: 2025-11-21. Review status: criteria provided, single submitter. Criteria: Natera Variant Classification Schema (03/2026). Collection method: clinical testing. Allele origin: germline.
Comment: The c.886A>G variant in SLC35A3 is a missense variant predicted to cause substitution of serine to glycine at amino acid 296. The frequency of this variant in the general population is greater than expected for disorder. This variant has been observed in one or more individuals affected with the associated recessive disease, as either homozygous or compound heterozygous with a second variant (PMID: 24031089). Additionally, this variant has been observed to segregate in affected family members (PMID: 24031089). This variant has been identified in one or more affected individual with a phenotype highly consistent with the associated gene (PMID: 24031089). Functional studies show that this variant may disrupt protein function (PMID: 24031089). Given the available evidence, this variant is classified as Likely Pathogenic.

Fulgent Genetics
Classification: Pathogenic for Autism spectrum disorder - epilepsy - arthrogryposis syndrome. Last evaluated: 2024-01-08. Review status: criteria provided, single submitter. Criteria: ACMG Guidelines, 2015. Collection method: clinical testing. Allele origin: germline.

Revvity Omics, Revvity
Classification: Pathogenic for Autism spectrum disorder - epilepsy - arthrogryposis syndrome. Last evaluated: 2023-12-22. Review status: criteria provided, single submitter. Criteria: ACMG Guidelines, 2015. Collection method: clinical testing. Allele origin: germline.

GeneDx
Classification: Pathogenic. Last evaluated: 2023-10-01. Review status: criteria provided, single submitter. Criteria: GeneDx Variant Classification Process June 2021. Collection method: clinical testing. Allele origin: germline. Affected: yes.
Comment: Published functional studies demonstrate that this variant results in skipping of exon 8 and is predicted to cause frame shift at the protein level, leading to an unstable, non-functional SLC35A3 protein (Edvardson S et al., 2013); Variant predicted to result in protein truncation, as the variant is predicted to result in the skipping of a portion of exon 8 resulting in a frameshift, and other loss-of-function variants have been reported; This variant is associated with the following publications: (PMID: 24031089)

Women's Health and Genetics/Laboratory Corporation of America, LabCorp
Classification: Pathogenic for Autism spectrum disorder - epilepsy - arthrogryposis syndrome. Last evaluated: 2016-01-21. Review status: criteria provided, single submitter. Criteria: LabCorp Variant Classification Summary - May 2015. Collection method: clinical testing. Allele origin: germline.
Comment: Variant summary: c.1226A>G affects a conserved nucleotide, resulting in amino acid change from Asn to Ser. 2/3 in-silico tools predict this variant to be pathogenic. 3/3 in silico tools via Alamut predict loss of RNA splicing acceptor site and ESEFinder predicts gain of binding motifs for splicing enhancers. The variant was detected a a low frequency in the large and broad ExAC cohort (0.007%). This variant has been reported in 8 affected pts from a pedigree of families that are descendents of two separate couples. In this large pedigree, there is clear co-segregation of the variant with disease. (Edvardson_2013). A functional study showed this variant resulted in exon skipping and no functional SLC35A3 protein produced (Edvardson_ 2013). Taken together, this variant was classified as a Pathogenic.

OMIM
Classification: Pathogenic for ARTHROGRYPOSIS, IMPAIRED INTELLECTUAL DEVELOPMENT, AND SEIZURES. Last evaluated: 2013-11-01. Review status: no assertion criteria provided. Collection method: literature only. Allele origin: germline. Not counted in ClinVar's aggregate classification.

Literature cited by the submitters: PubMed 24031089 (cited by 4 submitters).